The following is an entry in ClinVar:

ClinVar aggregate classification (germline): Uncertain significance (1 of 4 stars; one submission).

gnomAD v4.1: 7 of 1,614,004 alleles (0.00043%); highest among the groups gnomAD compares: Non-Finnish European, 0.00059%; no homozygotes.

Submission:

Mayo Clinic Laboratories, Mayo Clinic
Classification: Uncertain significance. Last evaluated: 2024-02-26. Review status: criteria provided, single submitter. Criteria: ACMG Guidelines, 2015. Collection method: clinical testing. Allele origin: germline. Observed: 1 variant allele.
Comment: BP4

NM_020247.5(COQ8A):c.1128G>A (p.Met376Ile)

Gene: COQ8A (coenzyme Q8A; plus strand). Cytogenetic location: 1q42.13.
Variant type: single nucleotide variant.
Coding change: c.1128G>A on transcript NM_020247.5 (MANE Select); coding-DNA position 1128, G replaced by A.
Protein change: p.Met376Ile; replaces methionine 376 with isoleucine.
Molecular consequence: missense variant.
Genome position (GRCh38, 1-based): chr1:226,983,599, G>A. VCF-style: chr1-226983599-G-A. GRCh37 (hg19) VCF-style: chr1-227171300-G-A.
Other names: p.Met376Ile; short protein forms M376I.
Identifiers: ClinVar variation 3380674 (VCV003380674.1).